The following is an entry in ClinVar:

ClinVar aggregate classification (germline): Pathogenic. Review status: criteria provided, single submitter (1 of 4 stars). 2 submissions from 2 submitters: Pathogenic (1). 1 of the submissions does not count toward it. Last evaluated 2024-10-04.

Conditions:
Neurofibromatosis, type 1 (NF1). Also called: Peripheral type neurofibromatosis; Neurofibromatosis, type I; VON RECKLINGHAUSEN DISEASE; NEUROFIBROMATOSIS, TYPE I, SOMATIC. Identifiers: Orphanet 636, MedGen C0027831, MONDO:0018975, OMIM 162200. Disease mechanism: loss of function.
Café-au-lait macules with pulmonary stenosis (WTSN). Also called: PULMONIC STENOSIS WITH CAFE-AU-LAIT SPOTS. Identifiers: MedGen C0553586, MONDO:0008672, OMIM 193520.

Submissions (2):

Dubai Health Genomic Medicine Center, Dubai Health
Classification: Pathogenic for Watson syndrome. Last evaluated: 2024-10-04. Review status: criteria provided, single submitter. Criteria: ACMG Guidelines, 2015. Collection method: research. Allele origin: germline. Affected: yes.
Comment: PVS1,PS2,PM2

Laboratory of Medical Genetics, National & Kapodistrian University of Athens
Classification: Pathogenic for Neurofibromatosis, type 1. Last evaluated: 2019-01-01. Review status: no assertion criteria provided. Collection method: clinical testing. Allele origin: germline. Affected: yes. Not counted in ClinVar's aggregate classification.

NM_001042492.3(NF1):c.3104del (p.Met1035fs)

Gene: NF1 (neurofibromin 1; plus strand). Cytogenetic location: 17q11.2.
Variant type: Deletion.
Coding change: c.3104del on transcript NM_001042492.3 (MANE Select); coding-DNA position 3104, one base deleted (T; older notation c.3104delT).
Protein change: p.Met1035fs; shifts the reading frame from methionine 1035.
Molecular consequence: frameshift variant.
Genome position (GRCh38, 1-based): chr17:31,230,373, T deleted. VCF-style (leftmost placement, unchanged base first): chr17-31230372-AT-A. GRCh37 (hg19) VCF-style: chr17-29557390-AT-A.
Other names: c.3104delT (NM_001042492.3); c.3104delT, p.Met1035Argfs (NM_000267.4); short protein forms M1035fs.
Identifiers: ClinVar variation 1048696 (VCV001048696.2), dbSNP rs2151431751, ClinGen allele CA2499224085.